The following is an entry in ClinVar:

ClinVar aggregate classification (germline): Uncertain significance (1 of 4 stars; one submission).

Submission:

Labcorp Genetics (formerly Invitae), Labcorp
Classification: Uncertain significance. Last evaluated: 2025-05-11. Review status: criteria provided, single submitter. Criteria: Invitae Variant Classification Sherloc (09022015). Collection method: clinical testing. Allele origin: germline.
Comment: This variant, c.1978_1980del, results in the deletion of 1 amino acid(s) of the ERBIN protein (p.Ser660del), but otherwise preserves the integrity of the reading frame. This variant is present in population databases (rs776881957, gnomAD 0.004%). This variant has not been reported in the literature in individuals affected with ERBIN-related conditions. Experimental studies and prediction algorithms are not available or were not evaluated, and the functional significance of this variant is currently unknown. In summary, the available evidence is currently insufficient to determine the role of this variant in disease. Therefore, it has been classified as a Variant of Uncertain Significance.

NM_001253697.2(ERBIN):c.1975TCT[1] (p.Ser660del)

Gene: ERBIN (erbb2 interacting protein; plus strand). Cytogenetic location: 5q12.3.
Variant type: Microsatellite.
Coding change: c.1975TCT[1] on transcript NM_001253697.2 (MANE Select); one copy of the 3-base unit TCT starting at c.1975; the reference has two copies in a row; one copy, 3 bases deleted.
Protein change: p.Ser660del; deletes serine 660.
Molecular consequence: inframe deletion.
Genome position (GRCh38, 1-based): chr5:66,050,857-66,050,859, TCT deleted; deleting any 3 consecutive bases within chr5:66,050,853-66,050,859 gives the same sequence; the position shown is the placement nearest the transcript's 3' end. VCF-style (leftmost placement, unchanged base first): chr5-66050852-GTTC-G. GRCh37 (hg19) VCF-style: chr5-65346680-GTTC-G.
Other names: c.1975TCT[1], p.Ser660del (NM_001006600.3, NM_001253698.2, NM_001253699.2 and 1 more transcripts); c.1963TCT[1], p.Ser656del (NM_001253701.2); short protein forms S660del, S656del.
Identifiers: ClinVar variation 1514823 (VCV001514823.8), dbSNP rs776881957, ClinGen allele CA3286394.